The following is an entry in ClinVar:

ClinVar aggregate classification (germline): Conflicting classifications of pathogenicity. Review status: criteria provided, conflicting classifications (1 of 4 stars). 4 submissions from 4 submitters: Uncertain significance (3); Likely benign (1). Last evaluated 2025-07-21.

Conditions:
Tuberous sclerosis syndrome (TSC). Also called: Tuberous Sclerosis Complex; Tuberous sclerosis. Identifiers: Orphanet 805, MedGen C0041341, MONDO:0001734.
Hereditary cancer-predisposing syndrome. Also called: Neoplastic Syndromes, Hereditary; Hereditary neoplastic syndrome; Tumor predisposition; Hereditary Cancer Syndrome. Identifiers: Orphanet 140162, MedGen C0027672, MeSH D009386, MONDO:0015356.
Tuberous sclerosis 2 (TSC2). Identifiers: Orphanet 805, MedGen C1860707, MONDO:0013199, OMIM 613254.

Submissions (4):

Color Diagnostics, LLC DBA Color Health
Classification: Uncertain significance for Tuberous sclerosis syndrome. Last evaluated: 2025-07-21. Review status: criteria provided, single submitter. Criteria: ACMG Guidelines, 2015. Collection method: clinical testing. Allele origin: germline.
Comment: This variant causes an in-frame duplication of two amino acids of the TSC2 protein. To our knowledge, functional studies have not been reported for this variant. This variant has not been reported in individuals affected with TSC2-related disorders in the literature. This variant has not been identified in the general population by the Genome Aggregation Database (gnomAD). The available evidence is insufficient to determine the role of this variant in disease conclusively. Therefore, this variant is classified as a Variant of Uncertain Significance.

Labcorp Genetics (formerly Invitae), Labcorp
Classification: Likely benign for Tuberous sclerosis 2. Last evaluated: 2024-08-09. Review status: criteria provided, single submitter. Criteria: Invitae Variant Classification Sherloc (09022015). Collection method: clinical testing. Allele origin: germline.

All of Us Research Program, National Institutes of Health
Classification: Uncertain significance for Tuberous sclerosis syndrome. Last evaluated: 2023-10-30. Review status: criteria provided, single submitter. Criteria: ACMG Guidelines, 2015. Collection method: clinical testing. Allele origin: germline. Inheritance: Autosomal dominant inheritance. Observed: 1 variant allele, 1 heterozygote.
Comment: This study involves interpretation of variants in research participants for the purpose of population health screening. Participant phenotype was not available at the time of variant classification. Additional details can be found in publication PMID: 35346344, PMCID: PMC8962531

Ambry Genetics
Classification: Uncertain significance for Hereditary cancer-predisposing syndrome. Last evaluated: 2023-04-13. Review status: criteria provided, single submitter. Criteria: Ambry Variant Classification Scheme 2023. Collection method: clinical testing. Allele origin: germline.
Comment: The c.3377_3382dupATCGGG variant (also known as p.D1126_R1127dup), located in coding exon 28 of the TSC2 gene, results from an in-frame duplication of ATCGGG at nucleotide positions 3377 to 3382. This results in the duplication of 2 extra residues (DR) between codons 1126 and 1127. This amino acid region is highly conserved through mammals. In addition, the in silico prediction for this alteration is inconclusive (Choi Y et al. PLoS ONE. 2012; 7(10):e46688). Since supporting evidence is limited at this time, the clinical significance of this alteration remains unclear.

NM_000548.5(TSC2):c.3377_3382dup (p.Asp1126_Arg1127dup)

Gene: TSC2 (TSC complex subunit 2; plus strand). Cytogenetic location: 16p13.3.
Variant type: Duplication.
Coding change: c.3377_3382dup on transcript NM_000548.5 (MANE Select); coding-DNA positions 3377 to 3382, 6 bases duplicated (ATCGGG; older notation c.3377_3382dupATCGGG).
Protein change: p.Asp1126_Arg1127dup.
Molecular consequence: inframe insertion.
Genome position (GRCh38, 1-based): chr16:2,079,649-2,079,654, ATCGGG duplicated; duplicating any 6 consecutive bases within chr16:2,079,645-2,079,654 gives the same sequence; the c. name uses the placement nearest the transcript's 3' end. VCF-style (leftmost placement, unchanged base first): chr16-2079644-C-CCGGGAT. GRCh37 (hg19) VCF-style: chr16-2129645-C-CCGGGAT.
Other names: c.3377_3382dup (NM_000548.3); c.3245_3250dup, p.Asp1082_Arg1083dup (NM_001077183.3, NM_001370404.1); c.3377_3382dup, p.Asp1126_Arg1127dup (NM_001114382.3); c.3137_3142dup, p.Asp1046_Arg1047dup (NM_001318827.2); c.3101_3106dup, p.Asp1034_Arg1035dup (NM_001318829.2); c.2645_2650dup, p.Asp882_Arg883dup (NM_001318831.2); c.3278_3283dup, p.Asp1093_Arg1094dup (NM_001318832.2); c.3248_3253dup, p.Asp1083_Arg1084dup (NM_001363528.2, NM_001370405.1, NM_021055.3).
Identifiers: ClinVar variation 666037 (VCV000666037.11), dbSNP rs1387479871, ClinGen allele CA718911069.